The following is an entry in ClinVar:

ClinVar aggregate classification (germline): Uncertain significance (1 of 4 stars; one submission).

Conditions:
BAP1-related tumor predisposition syndrome (TPDS1). Also called: Tumor susceptibility linked to germline BAP1 mutations; TUMOR PREDISPOSITION SYNDROME 1; BAP1 tumor predisposition syndrome; COMMON Syndrome. Identifiers: Orphanet 289539, MedGen C3280492, MONDO:0013692, OMIM 614327.

Submission:

Labcorp Genetics (formerly Invitae), Labcorp
Classification: Uncertain significance for BAP1-related tumor predisposition syndrome. Last evaluated: 2024-03-19. Review status: criteria provided, single submitter. Criteria: Invitae Variant Classification Sherloc (09022015). Collection method: clinical testing. Allele origin: germline.
Comment: This sequence change replaces asparagine, which is neutral and polar, with lysine, which is basic and polar, at codon 330 of the BAP1 protein (p.Asn330Lys). This variant is not present in population databases (gnomAD no frequency). This variant has not been reported in the literature in individuals affected with BAP1-related conditions. Advanced modeling of protein sequence and biophysical properties (such as structural, functional, and spatial information, amino acid conservation, physicochemical variation, residue mobility, and thermodynamic stability) performed at Invitae indicates that this missense variant is not expected to disrupt BAP1 protein function with a negative predictive value of 80%. In summary, the available evidence is currently insufficient to determine the role of this variant in disease. Therefore, it has been classified as a Variant of Uncertain Significance.

NM_004656.4(BAP1):c.990C>A (p.Asn330Lys)

Gene: BAP1 (BRCA1 associated deubiquitinase 1; minus strand). Cytogenetic location: 3p21.1.
Variant type: single nucleotide variant.
Coding change: c.990C>A on transcript NM_004656.4 (MANE Select); coding-DNA position 990, C replaced by A.
Protein change: p.Asn330Lys; replaces asparagine 330 with lysine.
Molecular consequence: missense variant.
Genome position (GRCh38, 1-based): chr3:52,405,236, G>T on the plus strand (C>A on the coding strand, the complement: BAP1 is on the minus strand). VCF-style: chr3-52405236-G-T. GRCh37 (hg19) VCF-style: chr3-52439252-G-T.
Other names: c.936C>A, p.Asn312Lys (NM_001410772.1); short protein forms N312K, N330K.
Identifiers: ClinVar variation 3646677 (VCV003646677.2).